The following is an entry in ClinVar:

NM_001184.4(ATR):c.5749A>C (p.Asn1917His)

Gene: ATR (ATR checkpoint kinase; minus strand). Cytogenetic location: 3q23.
Variant type: single nucleotide variant.
Coding change: c.5749A>C on transcript NM_001184.4 (MANE Select); coding-DNA position 5749, A replaced by C.
Protein change: p.Asn1917His; replaces asparagine 1917 with histidine.
Molecular consequence: missense variant.
Genome position (GRCh38, 1-based): chr3:142,496,510, T>G on the plus strand (A>C on the coding strand, the complement: ATR is on the minus strand). VCF-style: chr3-142496510-T-G. GRCh37 (hg19) VCF-style: chr3-142215352-T-G.
Other names: c.5557A>C, p.Asn1853His (NM_001354579.2); short protein forms N1853H, N1917H.
Identifiers: ClinVar variation 1749416 (VCV001749416.2), dbSNP rs2473155342, ClinGen allele CA354813981.

ClinVar aggregate classification (germline): Uncertain significance (1 of 4 stars; one submission).

Conditions:
Inborn genetic diseases. Identifiers: MedGen C0950123, MeSH D030342.

Submission:

Ambry Genetics
Classification: Uncertain significance for Inborn genetic diseases. Last evaluated: 2022-06-17. Review status: criteria provided, single submitter. Criteria: Ambry Variant Classification Scheme 2023. Collection method: clinical testing. Allele origin: germline.
Comment: The p.N1917H variant (also known as c.5749A>C), located in coding exon 34 of the ATR gene, results from an A to C substitution at nucleotide position 5749. The asparagine at codon 1917 is replaced by histidine, an amino acid with similar properties. This amino acid position is conserved. In addition, this alteration is predicted to be tolerated by in silico analysis. Since supporting evidence is limited at this time, the clinical significance of this alteration remains unclear.